The following is an entry in ClinVar:

ClinVar aggregate classification (germline): Uncertain significance. Review status: criteria provided, multiple submitters, no conflicts (2 of 4 stars). 3 submissions from 3 submitters: Uncertain significance (3). Last evaluated 2025-08-12.

Conditions:
Inborn genetic diseases. Identifiers: MedGen C0950123, MeSH D030342.

Allele frequency attached by ClinVar (database versions not stated): gnomAD 0.00005; ESP Exome Variant Server 0.00008; TOPMed 0.00008.
gnomAD v4.1: 273 of 1,614,012 alleles (0.017%); highest among the groups gnomAD compares: Non-Finnish European, 0.021%; no homozygotes.

Submissions (3):

Ambry Genetics
Classification: Uncertain significance for Inborn genetic diseases. Last evaluated: 2025-08-12. Review status: criteria provided, single submitter. Criteria: Ambry Variant Classification Scheme 2023. Collection method: clinical testing. Allele origin: germline.

Labcorp Genetics (formerly Invitae), Labcorp
Classification: Uncertain significance. Last evaluated: 2025-08-04. Review status: criteria provided, single submitter. Criteria: Invitae Variant Classification Sherloc (09022015). Collection method: clinical testing. Allele origin: germline.
Comment: This sequence change replaces arginine, which is basic and polar, with histidine, which is basic and polar, at codon 2072 of the DNAH9 protein (p.Arg2072His). This variant is present in population databases (rs377657649, gnomAD 0.02%). This variant has not been reported in the literature in individuals affected with DNAH9-related conditions. ClinVar contains an entry for this variant (Variation ID: 2154882). Invitae Evidence Modeling of protein sequence and biophysical properties (such as structural, functional, and spatial information, amino acid conservation, physicochemical variation, residue mobility, and thermodynamic stability) indicates that this missense variant is not expected to disrupt DNAH9 protein function with a negative predictive value of 80%. In summary, the available evidence is currently insufficient to determine the role of this variant in disease. Therefore, it has been classified as a Variant of Uncertain Significance.

GeneDx
Classification: Uncertain significance. Last evaluated: 2022-10-04. Review status: criteria provided, single submitter. Criteria: GeneDx Variant Classification Process June 2021. Collection method: clinical testing. Allele origin: germline. Affected: yes.
Comment: In silico analysis supports that this missense variant has a deleterious effect on protein structure/function; Has not been previously published as pathogenic or benign to our knowledge

NM_001372.4(DNAH9):c.6215G>A (p.Arg2072His)

Gene: DNAH9 (dynein axonemal heavy chain 9; plus strand). Cytogenetic location: 17p12.
Variant type: single nucleotide variant.
Coding change: c.6215G>A on transcript NM_001372.4 (MANE Select); coding-DNA position 6215, G replaced by A.
Protein change: p.Arg2072His; replaces arginine 2072 with histidine.
Molecular consequence: missense variant.
Genome position (GRCh38, 1-based): chr17:11,744,900, G>A. VCF-style: chr17-11744900-G-A. GRCh37 (hg19) VCF-style: chr17-11648217-G-A.
Other names: c.6215G>A (NM_001372.3); short protein forms R2072H.
Identifiers: ClinVar variation 2154882 (VCV002154882.6), dbSNP rs377657649, ClinGen allele CA8396247.